The following is an entry in ClinVar:

ClinVar aggregate classification (germline): Uncertain significance (1 of 4 stars; one submission).

Allele frequency attached by ClinVar (database versions not stated): gnomAD exomes below 0.00001; TOPMed below 0.00001.
gnomAD v4.1: 6 of 1,614,030 alleles (0.00037%); highest among the groups gnomAD compares: Non-Finnish European, 0.00051%; no homozygotes.

Submission:

Labcorp Genetics (formerly Invitae), Labcorp
Classification: Uncertain significance. Last evaluated: 2023-05-22. Review status: criteria provided, single submitter. Criteria: Invitae Variant Classification Sherloc (09022015). Collection method: clinical testing. Allele origin: germline.
Comment: This sequence change replaces threonine, which is neutral and polar, with asparagine, which is neutral and polar, at codon 1072 of the STAG1 protein (p.Thr1072Asn). This variant is present in population databases (no rsID available, gnomAD 0.0009%). This variant has not been reported in the literature in individuals affected with STAG1-related conditions. Advanced modeling of protein sequence and biophysical properties (such as structural, functional, and spatial information, amino acid conservation, physicochemical variation, residue mobility, and thermodynamic stability) performed at Invitae indicates that this missense variant is not expected to disrupt STAG1 protein function. In summary, the available evidence is currently insufficient to determine the role of this variant in disease. Therefore, it has been classified as a Variant of Uncertain Significance.

NM_005862.3(STAG1):c.3215C>A (p.Thr1072Asn)

Gene: STAG1 (STAG1 cohesin complex component; minus strand). Cytogenetic location: 3q22.3.
Variant type: single nucleotide variant.
Coding change: c.3215C>A on transcript NM_005862.3 (MANE Select); coding-DNA position 3215, C replaced by A.
Protein change: p.Thr1072Asn; replaces threonine 1072 with asparagine.
Molecular consequence: missense variant.
Genome position (GRCh38, 1-based): chr3:136,349,214, G>T on the plus strand (C>A on the coding strand, the complement: STAG1 is on the minus strand). VCF-style: chr3-136349214-G-T. GRCh37 (hg19) VCF-style: chr3-136068056-G-T.
Other names: short protein forms T1072N.
Identifiers: ClinVar variation 2866995 (VCV002866995.3), dbSNP rs1377634957, ClinGen allele CA354642142.